The following is an entry in ClinVar:

NM_004826.4(ECEL1):c.1884A>G (p.Ser628=)

Gene: ECEL1 (endothelin converting enzyme like 1; minus strand). Cytogenetic location: 2q37.1.
Variant type: single nucleotide variant.
Coding change: c.1884A>G on transcript NM_004826.4 (MANE Select); coding-DNA position 1884, A replaced by G.
Protein change: p.Ser628=; no amino-acid change (serine 628 retained).
Molecular consequence: synonymous variant.
Genome position (GRCh38, 1-based): chr2:232,481,611, T>C on the plus strand (A>G on the coding strand, the complement: ECEL1 is on the minus strand). VCF-style: chr2-232481611-T-C. GRCh37 (hg19) VCF-style: chr2-233346321-T-C.
Other names: c.1878A>G, p.Ser626= (NM_001290787.2).
Identifiers: ClinVar variation 3061704 (VCV003061704.2), dbSNP rs760203132, ClinGen allele CA2167039.

ClinVar aggregate classification (germline): Likely benign (0 of 4 stars; one submission).

Conditions:
ECEL1-related disorder. Also called: ECEL1-related condition.

Allele frequency attached by ClinVar (database versions not stated): TOPMed below 0.00001; gnomAD 0.00001; gnomAD exomes 0.00001; ExAC 0.00002.

Submission:

PreventionGenetics, part of Exact Sciences
Classification: Likely benign for ECEL1-related condition. Last evaluated: 2021-10-14. Review status: no assertion criteria provided. Collection method: clinical testing. Allele origin: germline.
Comment: This variant is classified as likely benign based on ACMG/AMP sequence variant interpretation guidelines (Richards et al. 2015 PMID: 25741868, with internal and published modifications).